The following is an entry in ClinVar:

NM_001848.3(COL6A1):c.2444G>T (p.Cys815Phe)

Gene: COL6A1 (collagen type VI alpha 1 chain; plus strand). Cytogenetic location: 21q22.3.
Variant type: single nucleotide variant.
Coding change: c.2444G>T on transcript NM_001848.3 (MANE Select); coding-DNA position 2444, G replaced by T.
Protein change: p.Cys815Phe; replaces cysteine 815 with phenylalanine.
Molecular consequence: missense variant.
Genome position (GRCh38, 1-based): chr21:46,003,129, G>T. VCF-style: chr21-46003129-G-T. GRCh37 (hg19) VCF-style: chr21-47423043-G-T.
Other names: short protein forms C815F.
Identifiers: ClinVar variation 1311906 (VCV001311906.7), dbSNP rs536370523, ClinGen allele CA10070901.

ClinVar aggregate classification (germline): Conflicting classifications of pathogenicity. Review status: criteria provided, conflicting classifications (1 of 4 stars). 2 submissions from 2 submitters: Uncertain significance (1); Likely benign (1). Last evaluated 2025-03-24.

Conditions:
Bethlem myopathy 1A. Also called: Bethlem myopathy 1; MYOPATHY, BENIGN CONGENITAL, WITH CONTRACTURES; Bethlem Muscular Dystrophy. Identifiers: Orphanet 610, MedGen CN029274, MONDO:0024530, OMIM 158810.

Allele frequency attached by ClinVar (database versions not stated): ExAC 0.00001; gnomAD 0.00001; gnomAD exomes 0.00001; TOPMed 0.00003; 1000 Genomes Project 30x 0.00016; 1000 Genomes Project 0.00020.
gnomAD v4.1: 4 of 1,614,102 alleles (0.00025%); highest among the groups gnomAD compares: Admixed American, 0.005%; no homozygotes.

Submissions (2):

Labcorp Genetics (formerly Invitae), Labcorp
Classification: Likely benign for Bethlem myopathy 1A. Last evaluated: 2025-03-24. Review status: criteria provided, single submitter. Criteria: Invitae Variant Classification Sherloc (09022015). Collection method: clinical testing. Allele origin: germline.

GeneDx
Classification: Uncertain significance. Last evaluated: 2020-01-16. Review status: criteria provided, single submitter. Criteria: GeneDx Variant Classification Process June 2021. Collection method: clinical testing. Allele origin: germline. Affected: yes.
Comment: In silico analysis, which includes protein predictors and evolutionary conservation, supports a deleterious effect; Has not been previously published as pathogenic or benign to our knowledge